The following is an entry in ClinVar:

ClinVar aggregate classification (germline): Likely pathogenic. Review status: criteria provided, multiple submitters, no conflicts (2 of 4 stars). 2 submissions from 2 submitters: Likely pathogenic (2). Last evaluated 2025-07-27.

Conditions:
Microspherophakia and/or megalocornea, with ectopia lentis and with or without secondary glaucoma (MSPKA). Identifiers: Orphanet 238763, MedGen C3538951, MONDO:0009633, OMIM 251750.

gnomAD v4.1: 1 of 1,605,726 alleles (0.000062%); highest among the groups gnomAD compares: African/African-American, 0.0013%; no homozygotes.

Submissions (2):

Labcorp Genetics (formerly Invitae), Labcorp
Classification: Likely pathogenic. Last evaluated: 2025-07-27. Review status: criteria provided, single submitter. Criteria: Invitae Variant Classification Sherloc (09022015). Collection method: clinical testing. Allele origin: germline.
Comment: This sequence change affects a donor splice site in intron 24 of the LTBP2 gene. It is expected to disrupt RNA splicing. Variants that disrupt the donor or acceptor splice site typically lead to a loss of protein function (PMID: 16199547), and loss-of-function variants in LTBP2 are known to be pathogenic (PMID: 19361779, 19656777, 22025892). This variant is not present in population databases (gnomAD no frequency). This variant has not been reported in the literature in individuals affected with LTBP2-related conditions. ClinVar contains an entry for this variant (Variation ID: 3237532). Algorithms developed to predict the effect of sequence changes on RNA splicing suggest that this variant may disrupt the consensus splice site. In summary, the currently available evidence indicates that the variant is pathogenic, but additional data are needed to prove that conclusively. Therefore, this variant has been classified as Likely Pathogenic.

Baylor Genetics
Classification: Likely pathogenic for Microspherophakia and/or megalocornea, with ectopia lentis and with or without secondary glaucoma. Last evaluated: 2023-12-21. Review status: criteria provided, single submitter. Criteria: ACMG Guidelines, 2015. Collection method: clinical testing. Allele origin: unknown.

Literature cited by the submitters: PubMed 16199547 (cited by Labcorp Genetics (formerly Invitae), Labcorp); PubMed 19361779 (cited by Labcorp Genetics (formerly Invitae), Labcorp); PubMed 19656777 (cited by Labcorp Genetics (formerly Invitae), Labcorp); PubMed 22025892 (cited by Labcorp Genetics (formerly Invitae), Labcorp).

NM_000428.3(LTBP2):c.3652+1G>A

Gene: LTBP2 (latent transforming growth factor beta binding protein 2; minus strand). Cytogenetic location: 14q24.3.
Variant type: single nucleotide variant.
Coding change: c.3652+1G>A on transcript NM_000428.3 (MANE Select); the canonical splice donor site of the intron after coding-DNA position 3652, G replaced by A.
Molecular consequence: splice donor variant.
Genome position (GRCh38, 1-based): chr14:74,508,603, C>T on the plus strand (G>A on the coding strand, the complement: LTBP2 is on the minus strand). VCF-style: chr14-74508603-C-T. GRCh37 (hg19) VCF-style: chr14-74975306-C-T.
Identifiers: ClinVar variation 3237532 (VCV003237532.2), dbSNP rs773910322.